The following is an entry in ClinVar:

NM_006206.6(PDGFRA):c.1122G>C (p.Arg374Ser)

Gene: PDGFRA (platelet derived growth factor receptor alpha; plus strand). Cytogenetic location: 4q12.
Variant type: single nucleotide variant.
Coding change: c.1122G>C on transcript NM_006206.6 (MANE Select); coding-DNA position 1122, G replaced by C.
Protein change: p.Arg374Ser; replaces arginine 374 with serine.
Molecular consequence: missense variant.
Genome position (GRCh38, 1-based): chr4:54,270,633, G>C. VCF-style: chr4-54270633-G-C. GRCh37 (hg19) VCF-style: chr4-55136800-G-C.
Other names: c.1122G>C, p.Arg374Ser (NM_001347827.2, NM_001347829.2); c.1197G>C, p.Arg399Ser (NM_001347828.2); c.1161G>C, p.Arg387Ser (NM_001347830.2); c.1122G>C (NM_006206.5); short protein forms R374S, R399S, R387S.
Identifiers: ClinVar variation 135028 (VCV000135028.23), dbSNP rs61735622, ClinGen allele CA161456.
Genomic context (GRCh38, chr4:54,270,633, plus strand): 5'-TTTAAACAATTGGAACTTACTTAGCTACTGCTTGTTGAAACAAAATCCTTTTTTTAAAAG[G>C]TATCGAAGCAAATTAAAGCTGATCCGTGCTAAGGAAGAAGACAGTGGCCATTATACTATT-3'
Protein context (NP_006197.1, residues 364-384): TTDVEKIQEI[Arg374Ser]YRSKLKLIRA

ClinVar aggregate classification (germline): Benign/Likely benign. Review status: criteria provided, multiple submitters, no conflicts (2 of 4 stars). 7 submissions from 6 submitters: Benign (1); Likely benign (4). 2 of the submissions do not count toward it. Last evaluated 2026-02-03.

Conditions:
PDGFRA-related disorder. Also called: PDGFRA-related condition.
Hereditary cancer-predisposing syndrome. Also called: Tumor predisposition; Hereditary neoplastic syndrome; Hereditary Cancer Syndrome; Neoplastic Syndromes, Hereditary. Identifiers: Orphanet 140162, MedGen C0027672, MeSH D009386, MONDO:0015356.
Idiopathic hypereosinophilic syndrome (HES). Identifiers: Orphanet 3260, MedGen C0206141, MONDO:0011895, OMIM 607685. Disease mechanism: gain of function.
Gastrointestinal stromal tumor. Also called: Gastrointestinal stromal tumor, somatic; Gastrointestinal stroma tumor. Identifiers: Orphanet 44890, MedGen C0238198, MeSH D046152, MONDO:0011719, OMIM 606764, HP:0100723.

Allele frequency attached by ClinVar (database versions not stated): gnomAD exomes 0.00015 and 0.00044; ExAC 0.00055; gnomAD 0.00178 and 0.00183; TOPMed 0.00200; ESP Exome Variant Server 0.00215; 1000 Genomes Project 30x 0.00312; 1000 Genomes Project 0.00319.
gnomAD v4.1: 486 of 1,564,740 alleles (0.031%); highest among the groups gnomAD compares: African/African-American, 0.6%; 2 homozygotes.

Submissions (7):

Labcorp Genetics (formerly Invitae), Labcorp
Classification: Benign for Gastrointestinal stromal tumor. Last evaluated: 2026-02-03. Review status: criteria provided, single submitter. Criteria: Invitae Variant Classification Sherloc (09022015). Collection method: clinical testing. Allele origin: germline.

Sema4
Classification: Likely benign for Hereditary cancer-predisposing syndrome. Last evaluated: 2021-05-30. Review status: criteria provided, single submitter. Criteria: Sema4 Curation Guidelines. Collection method: curation. Allele origin: germline.

Ambry Genetics
Classification: Likely benign for Hereditary cancer-predisposing syndrome. Last evaluated: 2018-12-05. Review status: criteria provided, single submitter. Criteria: Ambry Variant Classification Scheme 2023. Collection method: clinical testing. Allele origin: germline.

Illumina Laboratory Services, Illumina
Classification: Likely benign for Idiopathic hypereosinophilic syndrome. Last evaluated: 2017-04-27. Review status: criteria provided, single submitter. Criteria: ICSL Variant Classification Criteria 13 December 2019. Collection method: clinical testing. Allele origin: germline.
Comment: This variant was observed as part of a predisposition screen in an ostensibly healthy population. A literature search was performed for the gene, cDNA change, and amino acid change (where applicable). No publications were found based on this search. Allele frequency data from public databases allowed determination this variant is unlikely to cause disease. Therefore, this variant is classified as likely benign.

Illumina Laboratory Services, Illumina
Classification: Likely benign for Gastrointestinal stromal tumor. Last evaluated: 2017-04-27. Review status: criteria provided, single submitter. Criteria: ICSL Variant Classification Criteria 13 December 2019. Collection method: clinical testing. Allele origin: germline.
Comment: This variant was observed as part of a predisposition screen in an ostensibly healthy population. A literature search was performed for the gene, cDNA change, and amino acid change (where applicable). Publications were found based on this search. The evidence from the literature, in combination with allele frequency data from public databases where available, was sufficient to determine this variant is unlikely to cause disease. Therefore, this variant is classified as likely benign.

PreventionGenetics, part of Exact Sciences
Classification: Likely benign for PDGFRA-related condition. Last evaluated: 2021-12-30. Review status: no assertion criteria provided. Collection method: clinical testing. Allele origin: germline. Not counted in ClinVar's aggregate classification.
Comment: This variant is classified as likely benign based on ACMG/AMP sequence variant interpretation guidelines (Richards et al. 2015 PMID: 25741868, with internal and published modifications).

ITMI
No classification provided. Condition: AllHighlyPenetrant. Last evaluated: 2013-09-19. Review status: no classification provided. Collection method: reference population. Allele origin: germline. Not counted in ClinVar's aggregate classification.
Comment: Please see associated publication for description of ethnicities

Literature cited by the submitters: PubMed 24728327 (cited by Illumina Laboratory Services, Illumina and ITMI).